The following is an entry in ClinVar:

NM_020433.5(JPH2):c.1235C>G (p.Ser412Cys)

Gene: JPH2 (junctophilin 2; minus strand). Cytogenetic location: 20q13.12.
Variant type: single nucleotide variant.
Coding change: c.1235C>G on transcript NM_020433.5 (MANE Select); coding-DNA position 1235, C replaced by G.
Protein change: p.Ser412Cys; replaces serine 412 with cysteine.
Molecular consequence: missense variant.
Genome position (GRCh38, 1-based): chr20:44,118,558, G>C on the plus strand (C>G on the coding strand, the complement: JPH2 is on the minus strand). VCF-style: chr20-44118558-G-C. GRCh37 (hg19) VCF-style: chr20-42747198-G-C.
Other names: c.1235C>G (NM_020433.4); short protein forms S412C.
Identifiers: ClinVar variation 1010040 (VCV001010040.9), dbSNP rs1004964815, ClinGen allele CA314643235.

ClinVar aggregate classification (germline): Uncertain significance. Review status: criteria provided, multiple submitters, no conflicts (2 of 4 stars). 2 submissions from 2 submitters: Uncertain significance (2). Last evaluated 2021-08-17.

Conditions:
Hypertrophic cardiomyopathy. Also called: HYPERTROPHIC MYOCARDIOPATHY. Identifiers: Orphanet 217569, MedGen C0007194, MeSH D002312, MONDO:0005045, HP:0001639.
Cardiovascular phenotype. Identifiers: MedGen CN230736.

Allele frequency attached by ClinVar (database versions not stated): gnomAD exomes below 0.00001; TOPMed below 0.00001.

Submissions (2):

Ambry Genetics
Classification: Uncertain significance for Cardiovascular phenotype. Last evaluated: 2021-08-17. Review status: criteria provided, single submitter. Criteria: Ambry Variant Classification Scheme 2023. Collection method: clinical testing. Allele origin: germline.

Labcorp Genetics (formerly Invitae), Labcorp
Classification: Uncertain significance for Hypertrophic cardiomyopathy. Last evaluated: 2020-07-29. Review status: criteria provided, single submitter. Criteria: Invitae Variant Classification Sherloc (09022015). Collection method: clinical testing. Allele origin: germline.
Comment: In summary, the available evidence is currently insufficient to determine the role of this variant in disease. Therefore, it has been classified as a Variant of Uncertain Significance. Algorithms developed to predict the effect of missense changes on protein structure and function output the following: SIFT: "Tolerated"; PolyPhen-2: "Possibly Damaging"; Align-GVGD: "Class C0". The cysteine amino acid residue is found in multiple mammalian species, suggesting that this missense change does not adversely affect protein function. These predictions have not been confirmed by published functional studies and their clinical significance is uncertain. This variant has not been reported in the literature in individuals with JPH2-related conditions. This variant is not present in population databases (ExAC no frequency). This sequence change replaces serine with cysteine at codon 412 of the JPH2 protein (p.Ser412Cys). The serine residue is highly conserved and there is a moderate physicochemical difference between serine and cysteine.